The following is an entry in ClinVar:

ClinVar aggregate classification (germline): Uncertain significance (1 of 4 stars; one submission).

Submission:

Labcorp Genetics (formerly Invitae), Labcorp
Classification: Uncertain significance. Last evaluated: 2024-08-12. Review status: criteria provided, single submitter. Criteria: Invitae Variant Classification Sherloc (09022015). Collection method: clinical testing. Allele origin: germline.
Comment: This sequence change replaces lysine, which is basic and polar, with glutamine, which is neutral and polar, at codon 1315 of the PCLO protein (p.Lys1315Gln). This variant is not present in population databases (gnomAD no frequency). This variant has not been reported in the literature in individuals affected with PCLO-related conditions. ClinVar contains an entry for this variant (Variation ID: 1394106). An algorithm developed to predict the effect of missense changes on protein structure and function outputs the following: PolyPhen-2: "Not Available". The glutamine amino acid residue is found in multiple mammalian species, which suggests that this missense change does not adversely affect protein function. In summary, the available evidence is currently insufficient to determine the role of this variant in disease. Therefore, it has been classified as a Variant of Uncertain Significance.

NM_033026.6(PCLO):c.3943A>C (p.Lys1315Gln)

Gene: PCLO (piccolo presynaptic cytomatrix protein; minus strand). Cytogenetic location: 7q21.11.
Variant type: single nucleotide variant.
Coding change: c.3943A>C on transcript NM_033026.6 (MANE Select); coding-DNA position 3943, A replaced by C.
Protein change: p.Lys1315Gln; replaces lysine 1315 with glutamine.
Molecular consequence: missense variant.
Genome position (GRCh38, 1-based): chr7:82,965,845, T>G on the plus strand (A>C on the coding strand, the complement: PCLO is on the minus strand). VCF-style: chr7-82965845-T-G. GRCh37 (hg19) VCF-style: chr7-82595161-T-G.
Other names: c.3943A>C, p.Lys1315Gln (NM_014510.3); short protein forms K1315Q.
Identifiers: ClinVar variation 1394106 (VCV001394106.9), dbSNP rs2115656928, ClinGen allele CA367931020.